The following is an entry in ClinVar:

NM_000156.6(GAMT):c.571-9C>T

Gene: GAMT (guanidinoacetate N-methyltransferase; minus strand). Cytogenetic location: 19p13.3.
Variant type: single nucleotide variant.
Coding change: c.571-9C>T on transcript NM_000156.6 (MANE Select); 9 bases into the intron before coding-DNA position 571, C replaced by T.
Molecular consequence: intron variant.
Genome position (GRCh38, 1-based): chr19:1,397,508, G>A on the plus strand (C>T on the coding strand, the complement: GAMT is on the minus strand). VCF-style: chr19-1397508-G-A. GRCh37 (hg19) VCF-style: chr19-1397507-G-A.
Identifiers: ClinVar variation 513650 (VCV000513650.9), dbSNP rs775582832, ClinGen allele CA9043566.

ClinVar aggregate classification (germline): Likely benign. Review status: criteria provided, multiple submitters, no conflicts (2 of 4 stars). 2 submissions from 2 submitters: Likely benign (2). Last evaluated 2023-11-17.

Conditions:
Cerebral creatine deficiency syndrome. Also called: Creatine deficiency syndromes. Identifiers: Orphanet 79172, MedGen C5244016, MONDO:0000456.

Allele frequency attached by ClinVar (database versions not stated): gnomAD exomes below 0.00001 and 0.00001; ExAC 0.00001; TOPMed 0.00001.
gnomAD v4.1: 9 of 1,601,676 alleles (0.00056%); highest among the groups gnomAD compares: Non-Finnish European, 0.00076%; no homozygotes.

Submissions (2):

Labcorp Genetics (formerly Invitae), Labcorp
Classification: Likely benign for Cerebral creatine deficiency syndrome. Last evaluated: 2023-11-17. Review status: criteria provided, single submitter. Criteria: Invitae Variant Classification Sherloc (09022015). Collection method: clinical testing. Allele origin: germline.

GeneDx
Classification: Likely benign. Last evaluated: 2017-11-27. Review status: criteria provided, single submitter. Criteria: GeneDx Variant Classification (06012015). Collection method: clinical testing. Allele origin: germline. Affected: yes.
Comment: This variant is considered likely benign or benign based on one or more of the following criteria: it is a conservative change, it occurs at a poorly conserved position in the protein, it is predicted to be benign by multiple in silico algorithms, and/or has population frequency not consistent with disease.